The following is an entry in ClinVar:

ClinVar aggregate classification (germline): Pathogenic/Likely pathogenic. Review status: criteria provided, multiple submitters, no conflicts (2 of 4 stars). 5 submissions from 5 submitters: Pathogenic (3); Likely pathogenic (2). Last evaluated 2025-12-20.

Conditions:
Cardiovascular phenotype. Identifiers: MedGen CN230736.
DSP-related disorder. Also called: DSP-related disorders; DSP-related condition.
Arrhythmogenic cardiomyopathy with wooly hair and keratoderma. Also called: PALMOPLANTAR KERATODERMA WITH LEFT VENTRICULAR CARDIOMYOPATHY AND WOOLLY HAIR; Arrhythmogenic cardiomyopathy with woolly hair and keratoderma; Carvajal syndrome; Dilated cardiomyopathy with woolly hair and keratoderma. Identifiers: Orphanet 65282, MedGen C1854063, MONDO:0011581, OMIM 605676.
Arrhythmogenic right ventricular dysplasia 8 (ARVD8). Also called: ARRHYTHMOGENIC RIGHT VENTRICULAR DYSPLASIA, FAMILIAL, 8; ARRHYTHMOGENIC RIGHT VENTRICULAR CARDIOMYOPATHY 8; Arrhythmogenic Right Ventricular Dysplasia/Cardiomyopathy 8. Identifiers: MedGen C1843896, MONDO:0011831, OMIM 607450.

Submissions (5):

Labcorp Genetics (formerly Invitae), Labcorp
Classification: Pathogenic for Arrhythmogenic cardiomyopathy with wooly hair and keratoderma; Arrhythmogenic right ventricular dysplasia 8. Last evaluated: 2025-12-20. Review status: criteria provided, single submitter. Criteria: Invitae Variant Classification Sherloc (09022015). Collection method: clinical testing. Allele origin: germline.
Comment: This sequence change creates a premature translational stop signal (p.Leu1709Hisfs*24) in the DSP gene. It is expected to result in an absent or disrupted protein product. Loss-of-function variants in DSP are known to be pathogenic (PMID: 20716751, 24503780, 25227139, 30398466). This variant is not present in population databases (gnomAD no frequency). This variant has not been reported in the literature in individuals affected with DSP-related conditions. ClinVar contains an entry for this variant (Variation ID: 2094458). For these reasons, this variant has been classified as Pathogenic.

Ambry Genetics
Classification: Pathogenic for Cardiovascular phenotype. Last evaluated: 2025-04-17. Review status: criteria provided, single submitter. Criteria: Ambry Variant Classification Scheme 2023. Collection method: clinical testing. Allele origin: germline.
Comment: The c.5126_5127delTC pathogenic mutation, located in coding exon 23 of the DSP gene, results from a deletion of two nucleotides at nucleotide positions 5126 to 5127, causing a translational frameshift with a predicted alternate stop codon (p.L1709Hfs*24). Alterations in DSP that result in haploinsufficiency or protein truncation have been reported in patients with arrhythmogenic right ventricular cardiomyopathy (ARVC) and dilated cardiomyopathy (DCM) (Fressart V et al. Europace.2010;12(6):861-8; Elliott P et al. Circ Cardiovasc Genet. 2010;3(4):314-22; Quarta G et al. Circulation. 2011;123(23):2701-9; Garcia-Pavia P et al. Heart. 2011;97(21):1744-52; Rasmussen TB et al. Clin Genet.2013;84(1):20-30; Pugh TJ et al. Genet Med.2014;16(8):601-8). This alteration is expected to result in loss of function by premature protein truncation or nonsense-mediated mRNA decay. This variant has been reported in a cardiomyopathy cohort (Kim MJ et al. BMC Med Genomics, 2023 Oct;16:270). This variant is considered to be rare based on population cohorts in the Genome Aggregation Database (gnomAD). Based on the supporting evidence, this variant is interpreted as a disease-causing mutation.

All of Us Research Program, National Institutes of Health
Classification: Pathogenic for Arrhythmogenic cardiomyopathy with wooly hair and keratoderma. Last evaluated: 2024-09-03. Review status: criteria provided, single submitter. Criteria: ACMG Guidelines, 2015. Collection method: clinical testing. Allele origin: germline. Inheritance: Autosomal dominant inheritance. Observed: 1 variant allele, 1 heterozygote.
Comment: The c.5126_5127del (p.Leu1709Hisfs*24) variant in the DSP gene causes a frameshift and creates a premature translation stop codon. This change is predicted to result in an absent or disrupted protein product. Loss-of-function variants in DSP are known to be pathogenic (PMID: 20716751, 24503780, 25227139). Other variants in the upstream and downstream regions of the same exon 23, c.4531C>T (p.Gln1511*) and c. 5212C>T (p.Arg1738*), were reported in individuals with DSP-related disorder and classified as pathogenic (ClinVar ID 44914 and 199890). This variant is absent in the general population according to gnomAD (v4.1.0). Therefore, the c.5126_5127del (p.Leu1709Hisfs*24) variant in the DSP gene has been classified as pathogenic.

This study involves interpretation of variants in research participants for the purpose of population health screening. Participant phenotype was not available at the time of variant classification. Additional details can be found in publication PMID: 35346344, PMCID: PMC8962531

Institute of Human Genetics, FAU Erlangen, Friedrich-Alexander-Universität Erlangen-Nürnberg
Classification: Likely pathogenic for Arrhythmogenic right ventricular dysplasia 8. Last evaluated: 2023-10-25. Review status: criteria provided, single submitter. Criteria: Hauer et al. (Genet Med. 2018). Collection method: clinical testing. Allele origin: germline. Inheritance: Unknown mechanism. Affected: yes. Observed: 1 variant allele.
Comment: This variant has been identified by standard clinical testing. Selected ACMG criteria: Likely pathogenic (I):PM2;PVS1

Blueprint Genetics
Classification: Likely pathogenic for DSP-related disorders. Last evaluated: 2023-08-09. Review status: criteria provided, single submitter. Criteria: ACMG Guidelines, 2015. Collection method: clinical testing. Allele origin: germline. Affected: yes. Observed: 1 variant allele.

Literature cited by the submitters: PubMed 20716751 (cited by Labcorp Genetics (formerly Invitae), Labcorp and All of Us Research Program, National Institutes of Health); PubMed 24503780 (cited by Labcorp Genetics (formerly Invitae), Labcorp and All of Us Research Program, National Institutes of Health); PubMed 25227139 (cited by Labcorp Genetics (formerly Invitae), Labcorp and All of Us Research Program, National Institutes of Health); PubMed 30398466 (cited by Labcorp Genetics (formerly Invitae), Labcorp); PubMed 37904158 (cited by Ambry Genetics).

NM_004415.4(DSP):c.5126_5127del (p.Leu1709fs)

Gene: DSP (desmoplakin; plus strand). Cytogenetic location: 6p24.3.
Variant type: Microsatellite.
Coding change: c.5126_5127del on transcript NM_004415.4 (MANE Select); coding-DNA positions 5126 to 5127, 2 bases deleted (TC; older notation c.5126_5127delTC).
Protein change: p.Leu1709fs; shifts the reading frame from leucine 1709.
Molecular consequence: frameshift variant. On other transcripts: intron variant (2).
Genome position (GRCh38, 1-based): chr6:7,581,316-7,581,317, TC deleted; deleting any 2 consecutive bases within chr6:7,581,312-7,581,317 gives the same sequence; the c. name uses the placement nearest the transcript's 3' end. VCF-style (leftmost placement, unchanged base first): chr6-7581311-GTC-G. GRCh37 (hg19) VCF-style: chr6-7581544-GTC-G.
Other names: c.4050+1072TC[2] (NM_001319034.2); c.3583-1330TC[2] (NM_001008844.3); c.5126_5127delTC (NM_004415.2); short protein forms L1709fs.
Identifiers: ClinVar variation 2094458 (VCV002094458.7), dbSNP rs2533931670, ClinGen allele CA2580614829.